The following is an entry in ClinVar:

NM_001041.4(SI):c.3475G>A (p.Glu1159Lys)

Gene: SI (sucrase-isomaltase; minus strand). Cytogenetic location: 3q26.1.
Variant type: single nucleotide variant.
Coding change: c.3475G>A on transcript NM_001041.4 (MANE Select); coding-DNA position 3475, G replaced by A.
Protein change: p.Glu1159Lys; replaces glutamic acid 1159 with lysine.
Molecular consequence: missense variant.
Genome position (GRCh38, 1-based): chr3:165,018,015, C>T on the plus strand (G>A on the coding strand, the complement: SI is on the minus strand). VCF-style: chr3-165018015-C-T. GRCh37 (hg19) VCF-style: chr3-164735803-C-T.
Other names: c.3475G>A (NM_001041.3); short protein forms E1159K.
Identifiers: ClinVar variation 1380700 (VCV001380700.6), dbSNP rs966189337, ClinGen allele CA86511377.

ClinVar aggregate classification (germline): Uncertain significance. Review status: criteria provided, multiple submitters, no conflicts (2 of 4 stars). 3 submissions from 3 submitters: Uncertain significance (3). Last evaluated 2024-10-28.

Conditions:
Inborn genetic diseases. Identifiers: MedGen C0950123, MeSH D030342.
Sucrase-isomaltase deficiency (CSID). Also called: Congenital sucrose isomaltose malabsorption; Sucrose isomaltose enzyme deficiency; SI DEFICIENCY; Deficiency of isomaltase. Identifiers: Orphanet 35122, MedGen C1283620, MONDO:0009114, OMIM 222900.

Allele frequency attached by ClinVar (database versions not stated): gnomAD 0.00001; gnomAD exomes 0.00002; TOPMed 0.00005.
gnomAD v4.1: 36 of 1,611,874 alleles (0.0022%); highest among the groups gnomAD compares: Admixed American, 0.005%; no homozygotes.

Submissions (3):

Ambry Genetics
Classification: Uncertain significance for Inborn genetic diseases. Last evaluated: 2024-10-28. Review status: criteria provided, single submitter. Criteria: Ambry Variant Classification Scheme 2023. Collection method: clinical testing. Allele origin: germline.

Labcorp Genetics (formerly Invitae), Labcorp
Classification: Uncertain significance. Last evaluated: 2022-08-23. Review status: criteria provided, single submitter. Criteria: Invitae Variant Classification Sherloc (09022015). Collection method: clinical testing. Allele origin: germline.
Comment: This sequence change replaces glutamic acid, which is acidic and polar, with lysine, which is basic and polar, at codon 1159 of the SI protein (p.Glu1159Lys). This variant is not present in population databases (gnomAD no frequency). This variant has not been reported in the literature in individuals affected with SI-related conditions. ClinVar contains an entry for this variant (Variation ID: 1380700). Algorithms developed to predict the effect of missense changes on protein structure and function (SIFT, PolyPhen-2, Align-GVGD) all suggest that this variant is likely to be tolerated. In summary, the available evidence is currently insufficient to determine the role of this variant in disease. Therefore, it has been classified as a Variant of Uncertain Significance.

Fulgent Genetics
Classification: Uncertain significance for Sucrase-isomaltase deficiency. Last evaluated: 2021-12-02. Review status: criteria provided, single submitter. Criteria: ACMG Guidelines, 2015. Collection method: clinical testing. Allele origin: unknown.